The following is an entry in ClinVar:

ClinVar aggregate classification (germline): Uncertain significance (1 of 4 stars; one submission).

gnomAD v4.1: 60 of 1,588,894 alleles (0.0038%); highest among the groups gnomAD compares: African/African-American, 0.0054%; no homozygotes.

Submission:

GeneDx
Classification: Uncertain significance. Last evaluated: 2024-08-10. Review status: criteria provided, single submitter. Criteria: GeneDx Variant Classification Process June 2021. Collection method: clinical testing. Allele origin: germline. Affected: yes.
Comment: In silico analysis supports that this missense variant has a deleterious effect on protein structure/function; Has not been previously published as pathogenic or benign to our knowledge

NM_015656.2(KIF26A):c.2029C>T (p.Arg677Trp)

Gene: KIF26A (kinesin family member 26A; plus strand). Cytogenetic location: 14q32.33.
Variant type: single nucleotide variant.
Coding change: c.2029C>T on transcript NM_015656.2 (MANE Select); coding-DNA position 2029, C replaced by T.
Protein change: p.Arg677Trp; replaces arginine 677 with tryptophan.
Molecular consequence: missense variant.
Genome position (GRCh38, 1-based): chr14:104,173,867, C>T. VCF-style: chr14-104173867-C-T. GRCh37 (hg19) VCF-style: chr14-104640204-C-T.
Other names: short protein forms R677W.
Identifiers: ClinVar variation 3603232 (VCV003603232.1).